The following is an entry in ClinVar:

ClinVar aggregate classification (germline): Benign. Review status: criteria provided, multiple submitters, no conflicts (2 of 4 stars). 3 submissions from 3 submitters: Benign (2). 1 of the submissions does not count toward it. Last evaluated 2025-11-24.

Conditions:
IFT52-related disorder. Also called: IFT52-related condition.

Allele frequency attached by ClinVar (database versions not stated): TOPMed 0.00147; 1000 Genomes Project 0.00200; ESP Exome Variant Server 0.00208; 1000 Genomes Project 30x 0.00250; gnomAD exomes 0.00015 and 0.00047; ExAC 0.00064; gnomAD 0.00138 and 0.00144.
gnomAD v4.1: 434 of 1,613,730 alleles (0.027%); highest among the groups gnomAD compares: African/African-American, 0.5%; 1 homozygote.

Submissions (3):

Labcorp Genetics (formerly Invitae), Labcorp
Classification: Benign. Last evaluated: 2025-11-24. Review status: criteria provided, single submitter. Criteria: Invitae Variant Classification Sherloc (09022015). Collection method: clinical testing. Allele origin: germline.

Breakthrough Genomics
Classification: Benign. Review status: criteria provided, single submitter. Criteria: ACMG Guidelines, 2015. Collection method: not provided. Allele origin: germline. Inheritance: Autosomal recessive inheritance. Affected: yes.

PreventionGenetics, part of Exact Sciences
Classification: Likely benign for IFT52-related condition. Last evaluated: 2020-05-26. Review status: no assertion criteria provided. Collection method: clinical testing. Allele origin: germline. Not counted in ClinVar's aggregate classification.
Comment: This variant is classified as likely benign based on ACMG/AMP sequence variant interpretation guidelines (Richards et al. 2015 PMID: 25741868, with internal and published modifications).

NM_016004.5(IFT52):c.602A>G (p.Tyr201Cys)

Gene: IFT52 (intraflagellar transport 52; plus strand). Cytogenetic location: 20q13.12.
Variant type: single nucleotide variant.
Coding change: c.602A>G on transcript NM_016004.5 (MANE Select); coding-DNA position 602, A replaced by G.
Protein change: p.Tyr201Cys; replaces tyrosine 201 with cysteine.
Molecular consequence: missense variant. On other transcripts: 5 prime UTR variant (2).
Genome position (GRCh38, 1-based): chr20:43,613,966, A>G. VCF-style: chr20-43613966-A-G. GRCh37 (hg19) VCF-style: chr20-42242606-A-G.
Other names: c.602A>G, p.Tyr201Cys (NM_001303458.3, NM_001303459.3); c.74A>G, p.Tyr25Cys (NM_001323578.2, NM_001323580.2); c.-163A>G (NM_001323579.2, NM_001323581.2); short protein forms Y25C, Y201C.
Identifiers: ClinVar variation 740272 (VCV000740272.12), dbSNP rs143476502, ClinGen allele CA9866926.